The following is an entry in ClinVar:

ClinVar aggregate classification (germline): Uncertain significance (1 of 4 stars; one submission).

Conditions:
Hereditary cancer-predisposing syndrome. Also called: Tumor predisposition; Neoplastic Syndromes, Hereditary; Hereditary Cancer Syndrome; Hereditary neoplastic syndrome. Identifiers: Orphanet 140162, MedGen C0027672, MeSH D009386, MONDO:0015356.

Submission:

Ambry Genetics
Classification: Uncertain significance for Hereditary cancer-predisposing syndrome. Last evaluated: 2025-02-04. Review status: criteria provided, single submitter. Criteria: Ambry Variant Classification Scheme 2023. Collection method: clinical testing. Allele origin: germline.
Comment: The p.W456S variant (also known as c.1367G>C), located in coding exon 4 of the MSH6 gene, results from a G to C substitution at nucleotide position 1367. The tryptophan at codon 456 is replaced by serine, an amino acid with highly dissimilar properties. This amino acid position is conserved. In addition, this alteration is predicted to be deleterious by in silico analysis. Based on the available evidence, the clinical significance of this variant remains unclear.

NM_000179.3(MSH6):c.1367G>C (p.Trp456Ser)

Gene: MSH6 (mutS homolog 6; plus strand). Cytogenetic location: 2p16.3.
Variant type: single nucleotide variant.
Coding change: c.1367G>C on transcript NM_000179.3 (MANE Select); coding-DNA position 1367, G replaced by C.
Protein change: p.Trp456Ser; replaces tryptophan 456 with serine.
Molecular consequence: missense variant. On other transcripts: non-coding transcript variant (4), intron variant (1).
Genome position (GRCh38, 1-based): chr2:47,799,350, G>C. VCF-style: chr2-47799350-G-C. GRCh37 (hg19) VCF-style: chr2-48026489-G-C.
Other names: c.1070G>C, p.Trp357Ser (NM_001406830.1, NM_001406797.1, NM_001406801.1 and 10 more transcripts); c.628-1316G>C (NM_001407362.1); c.977G>C, p.Trp326Ser (NM_001281492.2); c.461G>C, p.Trp154Ser (NM_001281493.2, NM_001281494.2, NM_001406811.1 and 6 more transcripts); c.1463G>C, p.Trp488Ser (NM_001406795.1, NM_001406802.1); c.1367G>C, p.Trp456Ser (NM_001406796.1, NM_001406798.1, NM_001406800.1 and 4 more transcripts); c.842G>C, p.Trp281Ser (NM_001406799.1, NM_001406806.1, NM_001406807.1); c.1289G>C, p.Trp430Ser (NM_001406804.1); and 2 more; short protein forms W357S, W488S, W400S, W456S, W154S, W281S, W326S, W430S.
Identifiers: ClinVar variation 3875088 (VCV003875088.1).